The following is an entry in ClinVar:

NM_000371.4(TTR):c.337G>A (p.Val113Met)

Gene: TTR (transthyretin; plus strand). Cytogenetic location: 18q12.1.
Variant type: single nucleotide variant.
Coding change: c.337G>A on transcript NM_000371.4 (MANE Select); coding-DNA position 337, G replaced by A.
Protein change: p.Val113Met; replaces valine 113 with methionine.
Molecular consequence: missense variant.
Genome position (GRCh38, 1-based): chr18:31,598,568, G>A. VCF-style: chr18-31598568-G-A. GRCh37 (hg19) VCF-style: chr18-29178531-G-A.
Other names: short protein forms V113M.
Identifiers: ClinVar variation 2473849 (VCV002473849.3), dbSNP rs2073528096, ClinGen allele CA402158108.

ClinVar aggregate classification (germline): Uncertain significance (1 of 4 stars; one submission).

Conditions:
Cardiovascular phenotype. Identifiers: MedGen CN230736.

Allele frequency attached by ClinVar (database versions not stated): TOPMed below 0.00001.

Submission:

Ambry Genetics
Classification: Uncertain significance for Cardiovascular phenotype. Last evaluated: 2025-12-08. Review status: criteria provided, single submitter. Criteria: Ambry Variant Classification Scheme 2023. Collection method: clinical testing. Allele origin: germline.
Comment: The p.V113M variant (also known as c.337G>A) is located in coding exon 4 of the TTR gene. The valine at codon 113 is replaced by methionine, an amino acid with highly similar properties. This change occurs in the first base pair of coding exon 4. This variant was reported in an adult individual with sporadic pure motor and bulbar neuropathy with amyloid deposits on nerve biopsy (Lozeron P et al. Amyloid, 2013 Sep;20:188-92). Note, this variant is also referred to as V93M in the literature. This amino acid position is well conserved in available vertebrate species. In addition, this alteration is predicted to be deleterious by in silico analysis. Based on the available evidence, the clinical significance of this variant remains unclear.

Literature cited by the submitters: PubMed 23914756.